The following is an entry in ClinVar:

NM_004168.4(SDHA):c.771-11_771-10del

Gene: SDHA (succinate dehydrogenase complex flavoprotein subunit A; plus strand). Cytogenetic location: 5p15.33.
Variant type: Deletion.
Coding change: c.771-11_771-10del on transcript NM_004168.4 (MANE Select); 11 bases into the intron before coding-DNA position 771 through 10 bases into the intron before coding-DNA position 771, 2 bases deleted (AT; older notation c.771-11_771-10delAT).
Molecular consequence: intron variant.
Genome position (GRCh38, 1-based): chr5:230,865-230,866, AT deleted; deleting any 2 consecutive bases within chr5:230,864-230,866 gives the same sequence; the c. name uses the placement nearest the transcript's 3' end. VCF-style (leftmost placement, unchanged base first): chr5-230863-CTA-C. GRCh37 (hg19) VCF-style: chr5-230978-CTA-C.
Other names: c.771-11_771-10del (NM_001330758.2); c.627-11_627-10del (NM_001294332.2).
Identifiers: ClinVar variation 3904383 (VCV003904383.1).
Genomic context (GRCh38, chr5:230,863, plus strand): 5'-TTCTGTGATCTCACCAGATAGGAGGTCCAGATGTGGGCCGCTGTGTGCAGTCACTGCTCT[CTA>C]TTGTTTCCAGAGGCTACGGGCGCACCTACTTCAGCTGCACGTCTGCCCACACCAGCACTG-3'

ClinVar aggregate classification (germline): Likely benign (1 of 4 stars; one submission).

Conditions:
Pheochromocytoma/paraganglioma syndrome 5. Also called: Paragangliomas 5; SDHA-Related Hereditary Paraganglioma-Pheochromocytoma Syndrome. Identifiers: Orphanet 29072, MedGen C3279992, MONDO:0013602, OMIM 614165.

Submission:

Myriad Genetics, Inc.
Classification: Likely benign for Pheochromocytoma/paraganglioma syndrome 5. Last evaluated: 2025-03-03. Review status: criteria provided, single submitter. Criteria: Myriad Autosomal Dominant, Autosomal Recessive and X-Linked Classification Criteria (2023). Collection method: clinical testing. Allele origin: unknown.
Comment: This variant is considered likely benign. This variant is intronic and is not expected to impact mRNA splicing.